The following is an entry in ClinVar:

NM_001378454.1(ALMS1):c.1865A>G (p.Tyr622Cys)

Gene: ALMS1 (ALMS1 centrosome and basal body associated protein; plus strand). Cytogenetic location: 2p13.1.
Variant type: single nucleotide variant.
Coding change: c.1865A>G on transcript NM_001378454.1 (MANE Select); coding-DNA position 1865, A replaced by G.
Protein change: p.Tyr622Cys; replaces tyrosine 622 with cysteine.
Molecular consequence: missense variant.
Genome position (GRCh38, 1-based): chr2:73,448,392, A>G. VCF-style: chr2-73448392-A-G. GRCh37 (hg19) VCF-style: chr2-73675519-A-G.
Other names: c.1868A>G, p.Tyr623Cys (NM_015120.4); short protein forms Y623C, Y622C.
Identifiers: ClinVar variation 35676 (VCV000035676.12), dbSNP rs193922693, ClinGen allele CA325671.

ClinVar aggregate classification (germline): Uncertain significance. Review status: criteria provided, multiple submitters, no conflicts (2 of 4 stars). 3 submissions from 3 submitters: Uncertain significance (2). 1 of the submissions does not count toward it. Last evaluated 2025-09-22.

Conditions:
Cardiovascular phenotype. Identifiers: MedGen CN230736.
Alstrom syndrome (ALMS). Identifiers: Orphanet 64, MedGen C0268425, MONDO:0008763, OMIM 203800.

Allele frequency attached by ClinVar (database versions not stated): gnomAD 0.00001; TOPMed 0.00001; gnomAD exomes below 0.00001.
gnomAD v4.1: 4 of 1,613,830 alleles (0.00025%); highest among the groups gnomAD compares: Admixed American, 0.0017%; no homozygotes.

Submissions (3):

Labcorp Genetics (formerly Invitae), Labcorp
Classification: Uncertain significance for Alstrom syndrome. Last evaluated: 2025-09-22. Review status: criteria provided, single submitter. Criteria: Invitae Variant Classification Sherloc (09022015). Collection method: clinical testing. Allele origin: germline.
Comment: This sequence change replaces tyrosine, which is neutral and polar, with cysteine, which is neutral and slightly polar, at codon 623 of the ALMS1 protein (p.Tyr623Cys). This variant is not present in population databases (gnomAD no frequency). This variant has not been reported in the literature in individuals affected with ALMS1-related conditions. ClinVar contains an entry for this variant (Variation ID: 35676). Experimental studies and prediction algorithms are not available or were not evaluated, and the functional significance of this variant is currently unknown. In summary, the available evidence is currently insufficient to determine the role of this variant in disease. Therefore, it has been classified as a Variant of Uncertain Significance.

Ambry Genetics
Classification: Uncertain significance for Cardiovascular phenotype. Last evaluated: 2025-01-09. Review status: criteria provided, single submitter. Criteria: Ambry Variant Classification Scheme 2023. Collection method: clinical testing. Allele origin: germline.
Comment: The p.Y623C variant (also known as c.1868A>G), located in coding exon 8 of the ALMS1 gene, results from an A to G substitution at nucleotide position 1868. The tyrosine at codon 623 is replaced by cysteine, an amino acid with highly dissimilar properties. This amino acid position is well conserved on limited sequence alignment. In addition, this alteration is predicted to be tolerated by in silico analysis. Since supporting evidence is limited at this time, the clinical significance of this alteration remains unclear.

Counsyl
Classification: Uncertain significance for Alstrom syndrome. Last evaluated: 2017-12-18. Review status: no assertion criteria provided. Collection method: clinical testing. Allele origin: unknown. Not counted in ClinVar's aggregate classification.